The following is an entry in ClinVar:

NM_000340.2(SLC2A2):c.30G>A (p.Leu10=)

Gene: SLC2A2 (solute carrier family 2 member 2; minus strand). Cytogenetic location: 3q26.2.
Variant type: single nucleotide variant.
Coding change: c.30G>A on transcript NM_000340.2 (MANE Select); coding-DNA position 30, G replaced by A.
Protein change: p.Leu10=; no amino-acid change (leucine 10 retained).
Molecular consequence: synonymous variant. On other transcripts: 5 prime UTR variant (2).
Genome position (GRCh38, 1-based): chr3:171,018,609, C>T on the plus strand (G>A on the coding strand, the complement: SLC2A2 is on the minus strand). VCF-style: chr3-171018609-C-T. GRCh37 (hg19) VCF-style: chr3-170736398-C-T.
Other names: c.-65G>A (NM_001278658.2); c.-365G>A (NM_001278659.2).
Identifiers: ClinVar variation 3052095 (VCV003052095.2), dbSNP rs1252005701, ClinGen allele CA436770770.

ClinVar aggregate classification (germline): Likely benign (0 of 4 stars; one submission).

Conditions:
SLC2A2-related disorder. Also called: SLC2A2-related condition.

Allele frequency attached by ClinVar (database versions not stated): gnomAD exomes below 0.00001; gnomAD 0.00001.
gnomAD v4.1: 3 of 1,613,628 alleles (0.00019%); highest among the groups gnomAD compares: Non-Finnish European, 0.00025%; no homozygotes.

Submission:

PreventionGenetics, part of Exact Sciences
Classification: Likely benign for SLC2A2-related condition. Last evaluated: 2023-08-28. Review status: no assertion criteria provided. Collection method: clinical testing. Allele origin: germline.
Comment: This variant is classified as likely benign based on ACMG/AMP sequence variant interpretation guidelines (Richards et al. 2015 PMID: 25741868, with internal and published modifications).